The following is an entry in ClinVar:

NM_016030.6(TRAPPC12):c.1627C>T (p.Arg543Cys)

Gene: TRAPPC12 (trafficking protein particle complex subunit 12; plus strand). Cytogenetic location: 2p25.3.
Variant type: single nucleotide variant.
Coding change: c.1627C>T on transcript NM_016030.6 (MANE Select); coding-DNA position 1627, C replaced by T.
Protein change: p.Arg543Cys; replaces arginine 543 with cysteine.
Molecular consequence: missense variant.
Genome position (GRCh38, 1-based): chr2:3,460,286, C>T. VCF-style: chr2-3460286-C-T. GRCh37 (hg19) VCF-style: chr2-3464057-C-T.
Other names: c.1627C>T, p.Arg543Cys (NM_001321102.2); c.1627C>T (NM_016030.5); short protein forms R543C.
Identifiers: ClinVar variation 1419348 (VCV001419348.8), dbSNP rs201978278, ClinGen allele CA1515545.

ClinVar aggregate classification (germline): Uncertain significance. Review status: criteria provided, multiple submitters, no conflicts (2 of 4 stars). 3 submissions from 3 submitters: Uncertain significance (3). Last evaluated 2025-12-02.

Conditions:
Inborn genetic diseases. Identifiers: MedGen C0950123, MeSH D030342.

Allele frequency attached by ClinVar (database versions not stated): ExAC 0.00002; gnomAD 0.00002 and 0.00003; gnomAD exomes 0.00002 and 0.00003; TOPMed 0.00004; 1000 Genomes Project 30x 0.00016; 1000 Genomes Project 0.00020.
gnomAD v4.1: 25 of 874,572 alleles (0.0029%); highest among the groups gnomAD compares: Non-Finnish European, 0.0042%; no homozygotes.

Submissions (3):

Ambry Genetics
Classification: Uncertain significance for Inborn genetic diseases. Last evaluated: 2025-12-02. Review status: criteria provided, single submitter. Criteria: Ambry Variant Classification Scheme 2023. Collection method: clinical testing. Allele origin: germline.

GeneDx
Classification: Uncertain significance. Last evaluated: 2023-12-11. Review status: criteria provided, single submitter. Criteria: GeneDx Variant Classification Process June 2021. Collection method: clinical testing. Allele origin: germline. Affected: yes.
Comment: In silico analysis supports that this missense variant has a deleterious effect on protein structure/function; Has not been previously published as pathogenic or benign to our knowledge

Labcorp Genetics (formerly Invitae), Labcorp
Classification: Uncertain significance. Last evaluated: 2022-02-09. Review status: criteria provided, single submitter. Criteria: Invitae Variant Classification Sherloc (09022015). Collection method: clinical testing. Allele origin: germline.
Comment: This variant is present in population databases (rs201978278, gnomAD 0.008%). This variant has not been reported in the literature in individuals affected with TRAPPC12-related conditions. Algorithms developed to predict the effect of missense changes on protein structure and function are either unavailable or do not agree on the potential impact of this missense change (SIFT: "Not Available"; PolyPhen-2: "Probably Damaging"; Align-GVGD: "Not Available"). This sequence change replaces arginine with cysteine at codon 543 of the TRAPPC12 protein (p.Arg543Cys). The arginine residue is highly conserved and there is a large physicochemical difference between arginine and cysteine. In summary, the available evidence is currently insufficient to determine the role of this variant in disease. Therefore, it has been classified as a Variant of Uncertain Significance.